The following is an entry in ClinVar:

NM_000744.7(CHRNA4):c.707C>T (p.Ala236Val)

Gene: CHRNA4 (cholinergic receptor nicotinic alpha 4 subunit; minus strand). Cytogenetic location: 20q13.33.
Variant type: single nucleotide variant.
Coding change: c.707C>T on transcript NM_000744.7 (MANE Select); coding-DNA position 707, C replaced by T.
Protein change: p.Ala236Val; replaces alanine 236 with valine.
Molecular consequence: missense variant. On other transcripts: non-coding transcript variant (1).
Genome position (GRCh38, 1-based): chr20:63,350,704, G>A on the plus strand (C>T on the coding strand, the complement: CHRNA4 is on the minus strand). VCF-style: chr20-63350704-G-A. GRCh37 (hg19) VCF-style: chr20-61982056-G-A.
Other names: c.179C>T, p.Ala60Val (NM_001256573.2); short protein forms A236V, A60V.
Identifiers: ClinVar variation 98333 (VCV000098333.2), dbSNP rs121912252, ClinGen allele CA150446.

ClinVar aggregate classification (germline): Uncertain significance. Review status: criteria provided, single submitter (1 of 4 stars). 2 submissions from 2 submitters: Uncertain significance (1). 1 of the submissions does not count toward it. Last evaluated 2025-05-28.

Conditions:
Tobacco use disorder. Identifiers: MedGen C0040336.
Familial sleep-related hypermotor epilepsy. Also called: Autosomal Dominant Sleep-Related Hypermotor (Hyperkinetic) Epilepsy. Identifiers: Orphanet 98784, MedGen C3696898, MONDO:0000030.

Allele frequency attached by ClinVar (database versions not stated): gnomAD exomes below 0.00001.
gnomAD v4.1: 1 of 1,613,956 alleles (0.000062%); highest among the groups gnomAD compares: Non-Finnish European, 0.000085%; no homozygotes.

Submissions (2):

Labcorp Genetics (formerly Invitae), Labcorp
Classification: Uncertain significance. Last evaluated: 2025-05-28. Review status: criteria provided, single submitter. Criteria: Invitae Variant Classification Sherloc (09022015). Collection method: clinical testing. Allele origin: germline.
Comment: This sequence change replaces alanine, which is neutral and non-polar, with valine, which is neutral and non-polar, at codon 236 of the CHRNA4 protein (p.Ala236Val). This variant is not present in population databases (gnomAD no frequency). This variant has not been reported in the literature in individuals affected with CHRNA4-related conditions. ClinVar contains an entry for this variant (Variation ID: 98333). Invitae Evidence Modeling of protein sequence and biophysical properties (such as structural, functional, and spatial information, amino acid conservation, physicochemical variation, residue mobility, and thermodynamic stability) indicates that this missense variant is not expected to disrupt CHRNA4 protein function with a negative predictive value of 80%. In summary, the available evidence is currently insufficient to determine the role of this variant in disease. Therefore, it has been classified as a Variant of Uncertain Significance.

Psychiatry Genetics Yale University
No classification provided. Review status: no classification provided. Collection method: not provided. Allele origin: somatic. Not counted in ClinVar's aggregate classification.